The following is an entry in ClinVar:

NM_000077.5(CDKN2A):c.407G>C (p.Gly136Ala)

Gene: CDKN2A (cyclin dependent kinase inhibitor 2A; minus strand). Cytogenetic location: 9p21.3.
Variant type: single nucleotide variant.
Coding change: c.407G>C on transcript NM_000077.5; coding-DNA position 407, G replaced by C.
Protein change: p.Gly136Ala; replaces glycine 136 with alanine.
Molecular consequence: missense variant (on NM_000077.6). On other transcripts: 3 prime UTR variant (2).
Genome position (GRCh38, 1-based): chr9:21,970,952, C>G on the plus strand (G>C on the coding strand, the complement: CDKN2A is on the minus strand). VCF-style: chr9-21970952-C-G. GRCh37 (hg19) VCF-style: chr9-21970951-C-G.
Other names: c.407G>C, p.Gly136Ala (NM_000077.6, NM_001195132.2); c.254G>C, p.Gly85Ala (NM_001363763.2); c.*51G>C (NM_058195.4); c.*330G>C (NM_058197.5); short protein forms G136A, G85A.
Identifiers: ClinVar variation 483335 (VCV000483335.15), dbSNP rs758832729, ClinGen allele CA373085900.
Genomic context (GRCh38, chr9:21,970,952, plus strand): 5'-CAGTCCTCACCTGAGGGACCTTCCGCGGCATCTATGCGGGCATGGTTACTGCCTCTGGTG[C>G]CCCCCGCAGCCGCGCGCAGGTACCGTGCGACATCGCGATGGCCCAGCTCCTCAGCCAGGT-3'
Protein context (NP_000068.1, residues 126-146): VARYLRAAAG[Gly136Ala]TRGSNHARID

ClinVar aggregate classification (germline): Uncertain significance. Review status: criteria provided, multiple submitters, no conflicts (2 of 4 stars). 2 submissions from 2 submitters: Uncertain significance (2). Last evaluated 2025-04-02.

Conditions:
Hereditary cancer-predisposing syndrome. Also called: Tumor predisposition; Hereditary Cancer Syndrome; Neoplastic Syndromes, Hereditary; Hereditary neoplastic syndrome. Identifiers: Orphanet 140162, MedGen C0027672, MeSH D009386, MONDO:0015356.
Familial melanoma. Also called: Hereditary melanoma; Hereditary cutaneous melanoma. Identifiers: Orphanet 618, MedGen C1512419, MONDO:0018961.

Allele frequency attached by ClinVar (database versions not stated): TOPMed below 0.00001; gnomAD 0.00001.

Submissions (2):

Ambry Genetics
Classification: Uncertain significance for Hereditary cancer-predisposing syndrome. Last evaluated: 2025-04-02. Review status: criteria provided, single submitter. Criteria: Ambry Variant Classification Scheme 2023. Collection method: clinical testing. Allele origin: germline.
Comment: The p.G136A variant (also known as c.407G>C), located in coding exon 2 of the CDKN2A gene, results from a G to C substitution at nucleotide position 407. The glycine at codon 136 is replaced by alanine, an amino acid with similar properties. This amino acid position is not well conserved in available vertebrate species. In addition, this alteration is predicted to be tolerated by in silico analysis. Based on the available evidence, the clinical significance of this variant remains unclear.

Labcorp Genetics (formerly Invitae), Labcorp
Classification: Uncertain significance for Familial melanoma. Last evaluated: 2023-12-28. Review status: criteria provided, single submitter. Criteria: Invitae Variant Classification Sherloc (09022015). Collection method: clinical testing. Allele origin: germline.
Comment: This sequence change replaces glycine, which is neutral and non-polar, with alanine, which is neutral and non-polar, at codon 136 of the CDKN2A (p16INK4a) protein (p.Gly136Ala). This variant is present in population databases (no rsID available, gnomAD 0.01%). This variant has not been reported in the literature in individuals affected with CDKN2A (p16INK4a)-related conditions. ClinVar contains an entry for this variant (Variation ID: 483335). Algorithms developed to predict the effect of missense changes on protein structure and function output the following: SIFT: "Not Available"; PolyPhen-2: "Benign"; Align-GVGD: "Not Available". The alanine amino acid residue is found in multiple mammalian species, which suggests that this missense change does not adversely affect protein function. In summary, the available evidence is currently insufficient to determine the role of this variant in disease. Therefore, it has been classified as a Variant of Uncertain Significance.